The following is an entry in ClinVar:

NM_007294.4(BRCA1):c.5238C>A (p.His1746Gln)

Gene: BRCA1 (BRCA1 DNA repair associated; minus strand). Cytogenetic location: 17q21.31.
Variant type: single nucleotide variant.
Coding change: c.5238C>A on transcript NM_007294.4 (MANE Select); coding-DNA position 5238, C replaced by A.
Protein change: p.His1746Gln; replaces histidine 1746 with glutamine.
Molecular consequence: missense variant. On other transcripts: non-coding transcript variant (1).
Genome position (GRCh38, 1-based): chr17:43,057,091, G>T on the plus strand (C>A on the coding strand, the complement: BRCA1 is on the minus strand). VCF-style: chr17-43057091-G-T. GRCh37 (hg19) VCF-style: chr17-41209108-G-T.
Other names: c.5025C>A, p.His1675Gln (NM_001407571.1, NM_001407900.1, NM_001407902.1 and 12 more transcripts); c.5304C>A, p.His1768Gln (NM_001407581.1, NM_001407582.1); c.5301C>A, p.His1767Gln (NM_001407583.1, NM_001407585.1, NM_001407587.1 and 1 more transcripts); c.5298C>A, p.His1766Gln (NM_001407590.1, NM_001407591.1); c.5238C>A, p.His1746Gln (NM_001407593.1, NM_001407594.1, NM_001407596.1 and 7 more transcripts); c.5235C>A, p.His1745Gln (NM_001407610.1, NM_001407611.1, NM_001407612.1 and 17 more transcripts); c.5232C>A, p.His1744Gln (NM_001407629.1, NM_001407630.1, NM_001407631.1 and 14 more transcripts); c.5178C>A, p.His1726Gln (NM_001407649.1); and 72 more; short protein forms H1699Q, H1767Q, H642Q, H1746Q, H1617Q, H1657Q, H1658Q, H1677Q.
Identifiers: ClinVar variation 865191 (VCV000865191.3), dbSNP rs786202389, ClinGen allele CA10591065.

Conditions:
Breast-ovarian cancer, familial, susceptibility to, 1 (BROVCA1). Also called: BRCA1 Hereditary Breast and Ovarian Cancer; OVARIAN CANCER, SUSCEPTIBILITY TO. Identifiers: Orphanet 145, MedGen C2676676, MONDO:0011450, OMIM 604370. Disease mechanism: loss of function.

Submission:

Brotman Baty Institute, University of Washington
No classification provided (evidence only). Condition: Breast-ovarian cancer, familial 1. Review status: no classification provided. Collection method: in vitro. Allele origin: not applicable. Functional consequence: function_uncertain_variant.
ClinVar note: "not provided" was previously submitted as the classification for the variant. However, the classification appeared to be based only on an observation of functional data so it was converted to no classification on 2025-07-30.